The following is an entry in ClinVar:

NM_000283.4(PDE6B):c.1467+1G>C

Gene: PDE6B (phosphodiesterase 6B; plus strand). Cytogenetic location: 4p16.3.
Variant type: single nucleotide variant.
Coding change: c.1467+1G>C on transcript NM_000283.4 (MANE Select); the canonical splice donor site of the intron after coding-DNA position 1467, G replaced by C.
Molecular consequence: splice donor variant.
Genome position (GRCh38, 1-based): chr4:659,018, G>C. VCF-style: chr4-659018-G-C. GRCh37 (hg19) VCF-style: chr4-652807-G-C.
Other names: c.1467+1G>C (NM_001145291.2); c.630+1G>C (NM_001379246.1, NM_001379247.1, NM_001145292.2 and 1 more transcripts); c.312+1G>C (NM_001350155.3).
Identifiers: ClinVar variation 143065 (VCV000143065.2), dbSNP rs527236089, ClinGen allele CA270007.
Genomic context (GRCh38, chr4:659,018, plus strand): 5'-AGAGCGCGCCTGGGGAAGGAGCCTGCTGACTGCGATGAGGACGAGCTGGGCGAAATCCTG[G>C]TAAGAACCTTGCTCCCGTCCCTCCCATGGAGGCCGGCCACGTGTGAGGCTGGGAGGAAGA-3'

ClinVar aggregate classification (germline): Pathogenic (0 of 4 stars; one submission).

Conditions:
Retinitis pigmentosa (RP). Identifiers: Orphanet 791, MedGen C0035334, MeSH D012174, MONDO:0019200, OMIM 268000. Inheritance: Autosomal dominant, autosomal recessive and X linked inheritance.

Allele frequency attached by ClinVar (database versions not stated): gnomAD exomes below 0.00001 and 0.00001.
gnomAD v4.1: 2 of 1,612,078 alleles (0.00012%); highest among the groups gnomAD compares: East Asian, 0.0045%; no homozygotes.

Submission:

Department of Ophthalmology and Visual Sciences Kyoto University
Classification: Pathogenic for Retinitis pigmentosa. Review status: no assertion criteria provided. Collection method: not provided. Allele origin: unknown.
ClinVar note: Converted during submission from pathogenic to Pathogenic.